The following is an entry in ClinVar:

ClinVar aggregate classification (germline): Uncertain significance. Review status: criteria provided, multiple submitters, no conflicts (2 of 4 stars). 2 submissions from 2 submitters: Uncertain significance (2). Last evaluated 2022-06-14.

Conditions:
Primary ciliary dyskinesia. Also called: Ciliary dyskinesia. Identifiers: Orphanet 244, MedGen C0008780, MONDO:0016575, HP:0012265.

Allele frequency attached by ClinVar (database versions not stated): gnomAD exomes 0.00001; TOPMed 0.00002.
gnomAD v4.1: 4 of 1,611,686 alleles (0.00025%); highest among the groups gnomAD compares: Admixed American, 0.005%; no homozygotes.

Submissions (2):

Labcorp Genetics (formerly Invitae), Labcorp
Classification: Uncertain significance for Primary ciliary dyskinesia. Last evaluated: 2022-06-14. Review status: criteria provided, single submitter. Criteria: Invitae Variant Classification Sherloc (09022015). Collection method: clinical testing. Allele origin: germline.
Comment: In summary, the available evidence is currently insufficient to determine the role of this variant in disease. Therefore, it has been classified as a Variant of Uncertain Significance. Algorithms developed to predict the effect of missense changes on protein structure and function (SIFT, PolyPhen-2, Align-GVGD) all suggest that this variant is likely to be tolerated. ClinVar contains an entry for this variant (Variation ID: 957367). This variant has not been reported in the literature in individuals affected with DNAAF5-related conditions. This variant is present in population databases (no rsID available, gnomAD 0.006%). This sequence change replaces alanine, which is neutral and non-polar, with valine, which is neutral and non-polar, at codon 683 of the DNAAF5 protein (p.Ala683Val).

Ambry Genetics
Classification: Uncertain significance for Primary ciliary dyskinesia. Last evaluated: 2021-09-20. Review status: criteria provided, single submitter. Criteria: Ambry Variant Classification Scheme 2023. Collection method: clinical testing. Allele origin: germline.
Comment: The p.A683V variant (also known as c.2048C>T), located in coding exon 10 of the DNAAF5 gene, results from a C to T substitution at nucleotide position 2048. The alanine at codon 683 is replaced by valine, an amino acid with similar properties. This amino acid position is conserved. In addition, this alteration is predicted to be tolerated by in silico analysis. Since supporting evidence is limited at this time, the clinical significance of this alteration remains unclear.

NM_017802.4(DNAAF5):c.2048C>T (p.Ala683Val)

Gene: DNAAF5 (dynein axonemal assembly factor 5; plus strand). Cytogenetic location: 7p22.3.
Variant type: single nucleotide variant.
Coding change: c.2048C>T on transcript NM_017802.4 (MANE Select); coding-DNA position 2048, C replaced by T.
Protein change: p.Ala683Val; replaces alanine 683 with valine.
Molecular consequence: missense variant. On other transcripts: non-coding transcript variant (1).
Genome position (GRCh38, 1-based): chr7:774,164, C>T. VCF-style: chr7-774164-C-T. GRCh37 (hg19) VCF-style: chr7-813801-C-T.
Other names: short protein forms A683V.
Identifiers: ClinVar variation 957367 (VCV000957367.12), dbSNP rs1159798626, ClinGen allele CA366544911.